The following is an entry in ClinVar:

NM_000153.4(GALC):c.195G>A (p.Gly65=)

Genes: GALC (galactosylceramidase; minus strand), LOC130056217 (ATAC-STARR-seq lymphoblastoid silent region 5988; plus strand). Cytogenetic location: 14q31.3.
Variant type: single nucleotide variant.
Coding change: c.195G>A on transcript NM_000153.4 (MANE Select); coding-DNA position 195, G replaced by A.
Protein change: p.Gly65=; no amino-acid change (glycine 65 retained).
Molecular consequence: synonymous variant. On other transcripts: intron variant (1).
Genome position (GRCh38, 1-based): chr14:87,992,970, C>T on the plus strand (G>A on the coding strand, the complement: GALC is on the minus strand). VCF-style: chr14-87992970-C-T. GRCh37 (hg19) VCF-style: chr14-88459314-C-T.
Other names: c.195G>A, p.Gly65= (NM_001201401.2); c.117+413G>A (NM_001201402.2).
Identifiers: ClinVar variation 1899088 (VCV001899088.2), dbSNP rs886042057, ClinGen allele CA487486726.

ClinVar aggregate classification (germline): Uncertain significance (1 of 4 stars; one submission).

Conditions:
Galactosylceramide beta-galactosidase deficiency. Also called: Krabbe Disease; Leukodystrophy, Globoid Cell; GALACTOCEREBROSIDASE DEFICIENCY; GALC DEFICIENCY; GLOBOID CELL LEUKOENCEPHALOPATHY. Identifiers: Orphanet 487, MedGen C0023521, MONDO:0009499, OMIM 245200.

gnomAD v4.1: 2 of 1,520,264 alleles (0.00013%); highest among the groups gnomAD compares: Non-Finnish European, 0.00017%; no homozygotes.

Submission:

Labcorp Genetics (formerly Invitae), Labcorp
Classification: Uncertain significance for Galactosylceramide beta-galactosidase deficiency. Last evaluated: 2022-06-10. Review status: criteria provided, single submitter. Criteria: Invitae Variant Classification Sherloc (09022015). Collection method: clinical testing. Allele origin: germline.
Comment: This sequence change affects codon 65 of the GALC mRNA. It is a 'silent' change, meaning that it does not change the encoded amino acid sequence of the GALC protein. This variant also falls at the last nucleotide of exon 1, which is part of the consensus splice site for this exon. This variant is not present in population databases (gnomAD no frequency). This variant has not been reported in the literature in individuals affected with GALC-related conditions. Variants that disrupt the consensus splice site are a relatively common cause of aberrant splicing (PMID: 17576681, 9536098). Algorithms developed to predict the effect of sequence changes on RNA splicing suggest that this variant is not likely to affect RNA splicing. This variant disrupts the c.195G nucleotide in the GALC gene. Other variant(s) that disrupt this nucleotide have been determined to be pathogenic (PMID: 8940268, 9005874, 23197103). This suggests that this nucleotide is clinically significant, and that variants that disrupt this position are likely to be disease-causing. In summary, the available evidence is currently insufficient to determine the role of this variant in disease. Therefore, it has been classified as a Variant of Uncertain Significance.

Literature cited by the submitters: PubMed 17576681; PubMed 9536098; PubMed 8940268; PubMed 9005874; PubMed 23197103.